The following is an entry in ClinVar:

GRCh38/hg38 22q11.21(chr22:18339130-21101267)x1

Genes: AIFM3 (AIF family member 3; plus strand), ARVCF (ARVCF delta catenin family member; minus strand), C22orf39 (chromosome 22 open reading frame 39; minus strand), CCDC188 (coiled-coil domain containing 188; minus strand), CDC45 (cell division cycle 45; plus strand) and 185 more. Cytogenetic location: 22q11.21.
Variant type: copy number loss.
Change: copy number 1 (one copy instead of two) of chr22:18,339,130-21,101,267 (2.76 Mb, GRCh38 coordinates, 1-based), cytogenetic band 22q11.21.
Identifiers: ClinVar variation 59207 (VCV000059207.3).

ClinVar aggregate classification (germline): Pathogenic (1 of 4 stars; one submission).

Submission:

ISCA Site 6
Classification: Pathogenic. Last evaluated: 2011-08-12. Review status: criteria provided, single submitter. Criteria: Kaminsky et al. (Genet Med. 2011). Collection method: clinical testing. Allele origin: unknown, maternal, de novo. Affected: yes. Observed: 10 variant alleles. Clinical features observed: Developmental delay AND/OR other significant developmental or morphological phenotypes, Global developmental delay (HP:0001263), Abnormality of cardiac morphology (HP:0001627), Hyperkeratosis (HP:0000962), Talipes equinovarus (HP:0001762), Dysphagia (HP:0002015), Pyloric stenosis (HP:0002021), Microtia (HP:0008551), Syndactyly (HP:0001159), Polydactyly (HP:0010442), Abnormal facial shape (HP:0001999), Peters anomaly (HP:0000659), and 2 more.
Comment: Copy number variation identified through the course of routine clinical cytogenomic testing in postnatal populations. Clinical assertions have been curated as described in Kaminsky et al. 2011.